The following is an entry in ClinVar:

ClinVar aggregate classification (germline): Conflicting classifications of pathogenicity. Review status: criteria provided, conflicting classifications (1 of 4 stars). 2 submissions from 2 submitters: Uncertain significance (1); Likely benign (1). Last evaluated 2025-04-09.

Conditions:
Hereditary cancer-predisposing syndrome. Also called: Hereditary neoplastic syndrome; Tumor predisposition; Neoplastic Syndromes, Hereditary; Hereditary Cancer Syndrome. Identifiers: Orphanet 140162, MedGen C0027672, MeSH D009386, MONDO:0015356.
Hereditary breast ovarian cancer syndrome. Also called: Hereditary breast and ovarian cancer syndrome; Breast and ovarian cancer; Hereditary breast and ovarian cancer; Hereditary breast and/or ovarian cancer syndrome; Hereditary breast and ovarian cancer syndrome (HBOC); BRCA1- and BRCA2-Associated Hereditary Breast and Ovarian Cancer. Identifiers: Orphanet 145, MedGen C0677776, MeSH D061325, MONDO:0003582. Disease mechanism: loss of function.

gnomAD v4.1: 1 of 1,613,984 alleles (0.000062%); highest among the groups gnomAD compares: Middle Eastern, 0.016%; no homozygotes.

Submissions (2):

Labcorp Genetics (formerly Invitae), Labcorp
Classification: Uncertain significance for Hereditary breast ovarian cancer syndrome. Last evaluated: 2025-04-09. Review status: criteria provided, single submitter. Criteria: Invitae Variant Classification Sherloc (09022015). Collection method: clinical testing. Allele origin: germline.
Comment: This sequence change replaces alanine, which is neutral and non-polar, with serine, which is neutral and polar, at codon 1142 of the BRCA1 protein (p.Ala1142Ser). This variant is not present in population databases (gnomAD no frequency). This variant has not been reported in the literature in individuals affected with BRCA1-related conditions. ClinVar contains an entry for this variant (Variation ID: 571397). Invitae Evidence Modeling of protein sequence and biophysical properties (such as structural, functional, and spatial information, amino acid conservation, physicochemical variation, residue mobility, and thermodynamic stability) indicates that this missense variant is not expected to disrupt BRCA1 protein function with a negative predictive value of 80%. In summary, the available evidence is currently insufficient to determine the role of this variant in disease. Therefore, it has been classified as a Variant of Uncertain Significance.

University of Washington Department of Laboratory Medicine, University of Washington
Classification: Likely benign for Hereditary cancer-predisposing syndrome. Last evaluated: 2023-03-23. Review status: criteria provided, single submitter. Criteria: Dines et al. (Genet Med. 2020). Collection method: curation. Allele origin: germline.
Comment: Missense variant in a coldspot region where missense variants are very unlikely to be pathogenic (PMID:31911673).

BRCA1 coldspot (exon 11 using historical exon numbering). Reclassification based on statistical prior probability

NM_007294.4(BRCA1):c.3424G>T (p.Ala1142Ser)

Genes: BRCA1 (BRCA1 DNA repair associated; minus strand), LOC126862571 (BRD4-independent group 4 enhancer GRCh37_chr17:41243136-41244335; plus strand). Cytogenetic location: 17q21.31.
Variant type: single nucleotide variant.
Coding change: c.3424G>T on transcript NM_007294.4 (MANE Select); coding-DNA position 3424, G replaced by T.
Protein change: p.Ala1142Ser; replaces alanine 1142 with serine.
Molecular consequence: missense variant. On other transcripts: intron variant (135).
Genome position (GRCh38, 1-based): chr17:43,092,107, C>A on the plus strand (G>T on the coding strand, the complement: BRCA1 is on the minus strand). VCF-style: chr17-43092107-C-A. GRCh37 (hg19) VCF-style: chr17-41244124-C-A.
Other names: c.3211G>T, p.Ala1071Ser (NM_001407917.1, NM_001407918.1, NM_001407571.1 and 9 more transcripts); c.3160G>T, p.Ala1054Ser (NM_001407921.1, NM_001407922.1, NM_001407925.1 and 9 more transcripts); c.3301G>T, p.Ala1101Ser (NM_001407919.1, NM_001407648.1, NM_001407664.1 and 19 more transcripts); c.3424G>T, p.Ala1142Ser (NM_001407581.1, NM_001407582.1, NM_001407583.1 and 30 more transcripts); c.3421G>T, p.Ala1141Ser (NM_001407587.1, NM_001407590.1, NM_001407591.1 and 22 more transcripts); c.3415G>T, p.Ala1139Ser (NM_001407646.1, NM_001407647.1); c.3298G>T, p.Ala1100Ser (NM_001407649.1, NM_001407670.1, NM_001407671.1 and 11 more transcripts); c.3346G>T, p.Ala1116Ser (NM_001407653.1, NM_001407654.1, NM_001407655.1 and 4 more transcripts); and 41 more; short protein forms A1142S, A1095S, A1030S, A1072S, A1074S, A1101S, A1053S, A1075S.
Identifiers: ClinVar variation 571397 (VCV000571397.12), dbSNP rs80357101, ClinGen allele CA10595130.